The following is an entry in ClinVar:

NM_130384.3(ATRIP):c.597G>A (p.Met199Ile)

Genes: ATRIP (ATR interacting protein; plus strand), ATRIP-TREX1 (ATRIP-TREX1 readthrough; plus strand). Cytogenetic location: 3p21.31.
Variant type: single nucleotide variant.
Coding change: c.597G>A on transcript NM_130384.3 (MANE Select); coding-DNA position 597, G replaced by A.
Protein change: p.Met199Ile; replaces methionine 199 with isoleucine.
Molecular consequence: missense variant. On other transcripts: non-coding transcript variant (1).
Genome position (GRCh38, 1-based): chr3:48,454,344, G>A. VCF-style: chr3-48454344-G-A. GRCh37 (hg19) VCF-style: chr3-48495744-G-A.
Other names: c.216G>A, p.Met72Ile (NM_001271022.2); c.318G>A, p.Met106Ile (NM_001271023.2); c.597G>A, p.Met199Ile (NM_032166.4); short protein forms M106I, M72I, M199I.
Identifiers: ClinVar variation 3976422 (VCV003976422.1).

ClinVar aggregate classification (germline): Uncertain significance (1 of 4 stars; one submission).

Submission:

Ambry Genetics
Classification: Uncertain significance. Last evaluated: 2025-05-02. Review status: criteria provided, single submitter. Criteria: Ambry Variant Classification Scheme 2023. Collection method: clinical testing. Allele origin: germline.
Comment: The p.M199I variant (also known as c.597G>A), located in coding exon 4 of the ATRIP gene, results from a G to A substitution at nucleotide position 597. The methionine at codon 199 is replaced by isoleucine, an amino acid with highly similar properties. This amino acid position is conserved. In addition, this alteration is predicted to be deleterious by in silico analysis. Based on the available evidence, the clinical significance of this variant remains unclear.